The following is an entry in ClinVar:

ClinVar aggregate classification (germline): Uncertain significance (1 of 4 stars; one submission).

Conditions:
Cardiovascular phenotype. Identifiers: MedGen CN230736.

Submission:

Ambry Genetics
Classification: Uncertain significance for Cardiovascular phenotype. Last evaluated: 2025-06-28. Review status: criteria provided, single submitter. Criteria: Ambry Variant Classification Scheme 2023. Collection method: clinical testing. Allele origin: germline.
Comment: The p.L288P variant (also known as c.863T>C), located in coding exon 8 of the ABCA1 gene, results from a T to C substitution at nucleotide position 863. The leucine at codon 288 is replaced by proline, an amino acid with similar properties. This amino acid position is conserved. In addition, this alteration is predicted to be deleterious by in silico analysis. Based on the available evidence, the clinical significance of this variant remains unclear.

NM_005502.4(ABCA1):c.863T>C (p.Leu288Pro)

Gene: ABCA1 (ATP binding cassette subfamily A member 1; minus strand). Cytogenetic location: 9q31.1.
Variant type: single nucleotide variant.
Coding change: c.863T>C on transcript NM_005502.4 (MANE Select); coding-DNA position 863, T replaced by C.
Protein change: p.Leu288Pro; replaces leucine 288 with proline.
Molecular consequence: missense variant.
Genome position (GRCh38, 1-based): chr9:104,840,470, A>G on the plus strand (T>C on the coding strand, the complement: ABCA1 is on the minus strand). VCF-style: chr9-104840470-A-G. GRCh37 (hg19) VCF-style: chr9-107602751-A-G.
Other names: short protein forms L288P.
Identifiers: ClinVar variation 4233310 (VCV004233310.1).